The following is an entry in ClinVar:

ClinVar aggregate classification (germline): Uncertain significance (1 of 4 stars; one submission).

Submission:

Labcorp Genetics (formerly Invitae), Labcorp
Classification: Uncertain significance. Last evaluated: 2024-08-31. Review status: criteria provided, single submitter. Criteria: Invitae Variant Classification Sherloc (09022015). Collection method: clinical testing. Allele origin: germline.
Comment: This sequence change replaces glutamine, which is neutral and polar, with lysine, which is basic and polar, at codon 1029 of the MAGEL2 protein (p.Gln1029Lys). This variant is not present in population databases (gnomAD no frequency). This variant has not been reported in the literature in individuals affected with MAGEL2-related conditions. Invitae Evidence Modeling of protein sequence and biophysical properties (such as structural, functional, and spatial information, amino acid conservation, physicochemical variation, residue mobility, and thermodynamic stability) has been performed for this missense variant. However, the output from this modeling did not meet the statistical confidence thresholds required to predict the impact of this variant on MAGEL2 protein function. In summary, the available evidence is currently insufficient to determine the role of this variant in disease. Therefore, it has been classified as a Variant of Uncertain Significance.

NM_019066.5(MAGEL2):c.3085C>A (p.Gln1029Lys)

Gene: MAGEL2 (MAGE family member L2; minus strand). Cytogenetic location: 15q11.2.
Variant type: single nucleotide variant.
Coding change: c.3085C>A on transcript NM_019066.5 (MANE Select); coding-DNA position 3085, C replaced by A.
Protein change: p.Gln1029Lys; replaces glutamine 1029 with lysine.
Molecular consequence: missense variant.
Genome position (GRCh38, 1-based): chr15:23,644,658, G>T on the plus strand (C>A on the coding strand, the complement: MAGEL2 is on the minus strand). VCF-style: chr15-23644658-G-T. GRCh37 (hg19) VCF-style: chr15-23889805-G-T.
Other names: short protein forms Q1029K.
Identifiers: ClinVar variation 3664095 (VCV003664095.2).
Genomic context (GRCh38, chr15:23,644,658, plus strand): 5'-CTTTCACCATCTCCGAGCGCTGGACAGGCACCTTGGCTTGGTCCTTGACTAAGAGGAACT[G>T]CACCAACGCATTTGCCCTCTCATCCAAGGGAGACAAGGGCTGTGCCTCCACCTTGGAATT-3'
Protein context (NP_061939.3, residues 1019-1039): PLDERANALV[Gln1029Lys]FLLVKDQAKV